The following is an entry in ClinVar:

NM_005430.4(WNT1):c.607A>T (p.Asn203Tyr)

Gene: WNT1 (Wnt family member 1; plus strand). Cytogenetic location: 12q13.12.
Variant type: single nucleotide variant.
Coding change: c.607A>T on transcript NM_005430.4 (MANE Select); coding-DNA position 607, A replaced by T.
Protein change: p.Asn203Tyr; replaces asparagine 203 with tyrosine.
Molecular consequence: missense variant.
Genome position (GRCh38, 1-based): chr12:48,980,672, A>T. VCF-style: chr12-48980672-A-T. GRCh37 (hg19) VCF-style: chr12-49374455-A-T.
Other names: short protein forms N203Y.
Identifiers: ClinVar variation 1714033 (VCV001714033.5), dbSNP rs1157269803, ClinGen allele CA384632665.

ClinVar aggregate classification (germline): Uncertain significance (1 of 4 stars; one submission).

Submission:

Labcorp Genetics (formerly Invitae), Labcorp
Classification: Uncertain significance. Last evaluated: 2022-08-31. Review status: criteria provided, single submitter. Criteria: Invitae Variant Classification Sherloc (09022015). Collection method: clinical testing. Allele origin: germline.
Comment: This sequence change replaces asparagine, which is neutral and polar, with tyrosine, which is neutral and polar, at codon 203 of the WNT1 protein (p.Asn203Tyr). This variant is not present in population databases (gnomAD no frequency). In summary, the available evidence is currently insufficient to determine the role of this variant in disease. Therefore, it has been classified as a Variant of Uncertain Significance. Algorithms developed to predict the effect of missense changes on protein structure and function are either unavailable or do not agree on the potential impact of this missense change (SIFT: "Deleterious"; PolyPhen-2: "Probably Damaging"; Align-GVGD: "Class C15"). This variant has not been reported in the literature in individuals affected with WNT1-related conditions.